The following is an entry in ClinVar:

ClinVar aggregate classification (germline): Conflicting classifications of pathogenicity. Review status: criteria provided, conflicting classifications (1 of 4 stars). 2 submissions from 2 submitters: Uncertain significance (1); Likely benign (1). Last evaluated 2023-07-18.

Conditions:
Inborn genetic diseases. Identifiers: MedGen C0950123, MeSH D030342.

Allele frequency attached by ClinVar (database versions not stated): TOPMed below 0.00001; gnomAD 0.00001; gnomAD exomes 0.00003 and 0.00006; ExAC 0.00010.
gnomAD v4.1: 43 of 1,614,058 alleles (0.0027%); highest among the groups gnomAD compares: South Asian, 0.0066%; no homozygotes.

Submissions (2):

Labcorp Genetics (formerly Invitae), Labcorp
Classification: Uncertain significance. Last evaluated: 2023-07-18. Review status: criteria provided, single submitter. Criteria: Invitae Variant Classification Sherloc (09022015). Collection method: clinical testing. Allele origin: germline.
Comment: This sequence change replaces proline, which is neutral and non-polar, with leucine, which is neutral and non-polar, at codon 654 of the KMT2A protein (p.Pro654Leu). This variant is present in population databases (rs782450420, gnomAD 0.01%). This variant has not been reported in the literature in individuals affected with KMT2A-related conditions. ClinVar contains an entry for this variant (Variation ID: 1372199). Advanced modeling of protein sequence and biophysical properties (such as structural, functional, and spatial information, amino acid conservation, physicochemical variation, residue mobility, and thermodynamic stability) performed at Invitae indicates that this missense variant is expected to disrupt KMT2A protein function. In summary, the available evidence is currently insufficient to determine the role of this variant in disease. Therefore, it has been classified as a Variant of Uncertain Significance.

Ambry Genetics
Classification: Likely benign for Inborn genetic diseases. Last evaluated: 2023-04-28. Review status: criteria provided, single submitter. Criteria: Ambry Variant Classification Scheme 2023. Collection method: clinical testing. Allele origin: germline.

NM_001197104.2(KMT2A):c.1961C>T (p.Pro654Leu)

Gene: KMT2A (lysine methyltransferase 2A; plus strand). Cytogenetic location: 11q23.3.
Variant type: single nucleotide variant.
Coding change: c.1961C>T on transcript NM_001197104.2 (MANE Select); coding-DNA position 1961, C replaced by T.
Protein change: p.Pro654Leu; replaces proline 654 with leucine.
Molecular consequence: missense variant.
Genome position (GRCh38, 1-based): chr11:118,473,120, C>T. VCF-style: chr11-118473120-C-T. GRCh37 (hg19) VCF-style: chr11-118343835-C-T.
Other names: c.1961C>T, p.Pro654Leu (NM_005933.4); c.1961C>T (NM_001197104.1); short protein forms P654L.
Identifiers: ClinVar variation 1372199 (VCV001372199.9), dbSNP rs782450420, ClinGen allele CA6303462.